The following is an entry in ClinVar:

NM_006648.4(WNK2):c.370C>T (p.Pro124Ser)

Gene: WNK2 (WNK lysine deficient protein kinase 2; plus strand). Cytogenetic location: 9q22.31.
Variant type: single nucleotide variant.
Coding change: c.370C>T on transcript NM_006648.4 (MANE Select); coding-DNA position 370, C replaced by T.
Protein change: p.Pro124Ser; replaces proline 124 with serine.
Molecular consequence: missense variant.
Genome position (GRCh38, 1-based): chr9:93,185,299, C>T. VCF-style: chr9-93185299-C-T. GRCh37 (hg19) VCF-style: chr9-95947581-C-T.
Other names: c.370C>T, p.Pro124Ser (NM_001282394.3); short protein forms P124S.
Identifiers: ClinVar variation 3817103 (VCV003817103.1).

ClinVar aggregate classification (germline): Uncertain significance (1 of 4 stars; one submission).

gnomAD v4.1: 5 of 1,460,446 alleles (0.00034%); highest among the groups gnomAD compares: African/African-American, 0.0059%; no homozygotes.

Submission:

Ambry Genetics
Classification: Uncertain significance. Last evaluated: 2025-02-16. Review status: criteria provided, single submitter. Criteria: Ambry Variant Classification Scheme 2023. Collection method: clinical testing. Allele origin: germline.
Comment: The p.P124S variant (also known as c.370C>T), located in coding exon 1 of the WNK2 gene, results from a C to T substitution at nucleotide position 370. The proline at codon 124 is replaced by serine, an amino acid with similar properties. This amino acid position is conserved. In addition, this alteration is predicted to be tolerated by in silico analysis. Based on the available evidence, the clinical significance of this variant remains unclear.